The following is an entry in ClinVar:

NM_001384732.1(CPLANE1):c.7234-2_7234del

Gene: CPLANE1 (ciliogenesis and planar polarity effector complex subunit 1; minus strand). Cytogenetic location: 5p13.2.
Variant type: Deletion.
Coding change: c.7234-2_7234del on transcript NM_001384732.1 (MANE Select); the canonical splice acceptor site of the intron before coding-DNA position 7234 through coding-DNA position 7234, 3 bases deleted (AGT; older notation c.7234-2_7234delAGT).
Molecular consequence: splice acceptor variant.
Genome position (GRCh38, 1-based): chr5:37,167,213-37,167,215, ACT deleted on the plus strand (AGT on the coding strand, the reverse complement: CPLANE1 is on the minus strand); deleting any 3 consecutive bases within chr5:37,167,213-37,167,217 gives the same sequence; the c. name uses the placement nearest the transcript's 3' end. VCF-style (leftmost placement, unchanged base first): chr5-37167212-CACT-C. GRCh37 (hg19) VCF-style: chr5-37167314-CACT-C.
Other names: c.7234-2_7234del (NM_023073.4).
Identifiers: ClinVar variation 1804829 (VCV001804829.1), dbSNP rs2547526348, ClinGen allele CA2580073229.

ClinVar aggregate classification (germline): Likely pathogenic (1 of 4 stars; one submission).

Conditions:
Joubert syndrome and related disorders. Identifiers: Orphanet 140874, MedGen C5679612, MONDO:0015369.

Submission:

Women's Health and Genetics/Laboratory Corporation of America, LabCorp
Classification: Likely pathogenic for Joubert syndrome and related disorders. Last evaluated: 2022-11-17. Review status: criteria provided, single submitter. Criteria: LabCorp Variant Classification Summary - May 2015. Collection method: clinical testing. Allele origin: germline.
Comment: Variant summary: CPLANE1 c.7234-2_7234delAGT is located in a canonical splice-site and is predicted to affect mRNA splicing resulting in a significantly altered protein due to either exon skipping, shortening, or inclusion of intronic material. Several computational tools predict a significant impact on normal splicing: four predict the variant abolishes a 3' acceptor site. However, these predictions have yet to be confirmed by functional studies. The variant was absent in 250518 control chromosomes. c.7234-2_7234delAGT has been reported in the literature in an individual affected with Joubert Syndrome (Romani_2015). These data do not allow any conclusion about variant significance. To our knowledge, no experimental evidence demonstrating an impact on protein function has been reported. No clinical diagnostic laboratories have submitted clinical-significance assessments for this variant to ClinVar after 2014. Based on the evidence outlined above, the variant was classified as likely pathogenic.

Literature cited by the submitters: PubMed 25407461; PubMed 29605658.